The following is an entry in ClinVar:

ClinVar aggregate classification (germline): Likely pathogenic (1 of 4 stars; one submission).

Submission:

Labcorp Genetics (formerly Invitae), Labcorp
Classification: Likely pathogenic. Last evaluated: 2025-01-13. Review status: criteria provided, single submitter. Criteria: Invitae Variant Classification Sherloc (09022015). Collection method: clinical testing. Allele origin: germline.
Comment: This variant, c.3435_3437dup, results in the insertion of 1 amino acid(s) of the USP9X protein (p.Gly1146dup), but otherwise preserves the integrity of the reading frame. This variant is not present in population databases (gnomAD no frequency). This variant has been observed in individual(s) with clinical features of X-linked recessive intellectual disability (internal data). In at least one individual the variant was observed to be de novo. In summary, the currently available evidence indicates that the variant is pathogenic, but additional data are needed to prove that conclusively. Therefore, this variant has been classified as Likely Pathogenic.

NM_001039591.3(USP9X):c.3435_3437dup (p.Gly1146_Ala1147insGly)

Gene: USP9X (ubiquitin specific peptidase 9 X-linked; plus strand). Cytogenetic location: Xp11.4.
Variant type: Duplication.
Coding change: c.3435_3437dup on transcript NM_001039591.3 (MANE Select); coding-DNA positions 3435 to 3437, 3 bases duplicated (GGG; older notation c.3435_3437dupGGG).
Protein change: p.Gly1146_Ala1147insGly.
Genome position (GRCh38, 1-based): chrX:41,184,552-41,184,554, GGG duplicated; duplicating any 3 consecutive bases within chrX:41,184,551-41,184,554 gives the same sequence; the c. name uses the placement nearest the transcript's 3' end. VCF-style (leftmost placement, unchanged base first): chrX-41184550-A-AGGG. GRCh37 (hg19) VCF-style: chrX-41043803-A-AGGG.
Other names: c.3435_3437dup, p.Gly1146_Ala1147insGly (NM_001039590.3); c.3450_3452dup, p.Gly1151_Ala1152insGly (NM_001410748.1, NM_001410749.1).
Identifiers: ClinVar variation 3725493 (VCV003725493.2).